The following is an entry in ClinVar:

NM_000222.3(KIT):c.252G>A (p.Thr84=)

Gene: KIT (KIT proto-oncogene, receptor tyrosine kinase; plus strand). Cytogenetic location: 4q12.
Variant type: single nucleotide variant.
Coding change: c.252G>A on transcript NM_000222.3 (MANE Select); coding-DNA position 252, G replaced by A.
Protein change: p.Thr84=; no amino-acid change (threonine 84 retained).
Molecular consequence: synonymous variant.
Genome position (GRCh38, 1-based): chr4:54,695,696, G>A. VCF-style: chr4-54695696-G-A. GRCh37 (hg19) VCF-style: chr4-55561862-G-A.
Other names: c.252G>A, p.Thr84= (NM_001093772.2, NM_001385284.1, NM_001385285.1 and 4 more transcripts).
Identifiers: ClinVar variation 415776 (VCV000415776.22), dbSNP rs56411694, ClinGen allele CA2923194.
Genomic context (GRCh38, chr4:54,695,696, plus strand): 5'-CAAATGGACTTTTGAGATCCTGGATGAAACGAATGAGAATAAGCAGAATGAATGGATCAC[G>A]GAAAAGGCAGAAGCCACCAACACCGGCAAATACACGTGCACCAACAAACACGGCTTAAGC-3'
Protein context (NP_000213.1, residues 74-94): TNENKQNEWI[Thr84=]EKAEATNTGK

ClinVar aggregate classification (germline): Conflicting classifications of pathogenicity. Review status: criteria provided, conflicting classifications (1 of 4 stars). 8 submissions from 6 submitters: Uncertain significance (3); Benign (2); Likely benign (3). Last evaluated 2026-06-02.

Conditions:
KIT-related disorder. Also called: KIT-related condition.
Hereditary cancer-predisposing syndrome. Also called: Hereditary Cancer Syndrome; Tumor predisposition; Hereditary neoplastic syndrome; Neoplastic Syndromes, Hereditary. Identifiers: Orphanet 140162, MedGen C0027672, MeSH D009386, MONDO:0015356.
Mastocytosis. Also called: Mast Cell Disease. Identifiers: Orphanet 98292, MedGen C0024899, MONDO:0007950, HP:0100495.
Gastrointestinal stromal tumor. Also called: Gastrointestinal stroma tumor; Gastrointestinal stromal tumor, somatic. Identifiers: Orphanet 44890, MedGen C0238198, MeSH D046152, MONDO:0011719, OMIM 606764, HP:0100723.
Piebaldism. Also called: Piebald skin depigmentation. Identifiers: Orphanet 2884, MedGen C0080024, MONDO:0008244, OMIM 172800, HP:0007544.

Allele frequency attached by ClinVar (database versions not stated): 1000 Genomes Project 30x 0.00031; 1000 Genomes Project 0.00040; TOPMed 0.00005.
gnomAD v4.1: 98 of 1,614,182 alleles (0.0061%); highest among the groups gnomAD compares: East Asian, 0.02%; no homozygotes.

Submissions (8):

Myriad Genetics, Inc.
Classification: Benign for Gastrointestinal stromal tumor. Last evaluated: 2026-06-02. Review status: criteria provided, single submitter. Criteria: Myriad Autosomal Dominant, Autosomal Recessive and X-Linked Classification Criteria (2023). Collection method: clinical testing. Allele origin: unknown.
Comment: This variant is considered benign. This variant is a silent/synonymous amino acid change and it is not expected to impact splicing.

PreventionGenetics, part of Exact Sciences
Classification: Likely benign for KIT-related condition. Last evaluated: 2026-02-12. Review status: criteria provided, single submitter. Criteria: ACMG Guidelines, 2015. Collection method: clinical testing. Allele origin: germline.
Comment: This variant is classified as likely benign based on ACMG/AMP sequence variant interpretation guidelines (Richards et al. 2015 PMID: 25741868, with internal and published modifications).

Labcorp Genetics (formerly Invitae), Labcorp
Classification: Benign for Gastrointestinal stromal tumor. Last evaluated: 2026-02-02. Review status: criteria provided, single submitter. Criteria: Invitae Variant Classification Sherloc (09022015). Collection method: clinical testing. Allele origin: germline.

Blueprint Genetics
Classification: Likely benign. Last evaluated: 2024-08-27. Review status: criteria provided, single submitter. Criteria: ACMG Guidelines, 2015. Collection method: clinical testing. Allele origin: germline.

Ambry Genetics
Classification: Likely benign for Hereditary cancer-predisposing syndrome. Last evaluated: 2019-08-14. Review status: criteria provided, single submitter. Criteria: Ambry Variant Classification Scheme 2023. Collection method: clinical testing. Allele origin: germline.

Illumina Laboratory Services, Illumina
Classification: Uncertain significance for Cutaneous mastocytosis. Last evaluated: 2017-04-27. Review status: criteria provided, single submitter. Criteria: ICSL Variant Classification Criteria 13 December 2019. Collection method: clinical testing. Allele origin: germline.

Illumina Laboratory Services, Illumina
Classification: Uncertain significance for Gastrointestinal stromal tumor. Last evaluated: 2017-04-27. Review status: criteria provided, single submitter. Criteria: ICSL Variant Classification Criteria 13 December 2019. Collection method: clinical testing. Allele origin: germline.

Illumina Laboratory Services, Illumina
Classification: Uncertain significance for Piebaldism. Last evaluated: 2017-04-27. Review status: criteria provided, single submitter. Criteria: ICSL Variant Classification Criteria 13 December 2019. Collection method: clinical testing. Allele origin: germline.